The following is an entry in ClinVar:

NM_001734.5(C1S):c.1843A>G (p.Asn615Asp)

Gene: C1S (complement C1s; plus strand). Cytogenetic location: 12p13.31.
Variant type: single nucleotide variant.
Coding change: c.1843A>G on transcript NM_001734.5 (MANE Select); coding-DNA position 1843, A replaced by G.
Protein change: p.Asn615Asp; replaces asparagine 615 with aspartic acid.
Molecular consequence: missense variant.
Genome position (GRCh38, 1-based): chr12:7,070,427, A>G. VCF-style: chr12-7070427-A-G. GRCh37 (hg19) VCF-style: chr12-7177731-A-G.
Other names: c.1342A>G, p.Asn448Asp (NM_001346850.2); c.1843A>G, p.Asn615Asp (NM_201442.4); short protein forms N448D, N615D.
Identifiers: ClinVar variation 4741606 (VCV004741606.1).

ClinVar aggregate classification (germline): Uncertain significance (1 of 4 stars; one submission).

gnomAD v4.1: 1 of 1,614,104 alleles (0.000062%); highest among the groups gnomAD compares: Non-Finnish European, 0.000085%; no homozygotes.

Submission:

Labcorp Genetics (formerly Invitae), Labcorp
Classification: Uncertain significance. Last evaluated: 2025-11-19. Review status: criteria provided, single submitter. Criteria: Invitae Variant Classification Sherloc (09022015). Collection method: clinical testing. Allele origin: germline.
Comment: This sequence change replaces asparagine, which is neutral and polar, with aspartic acid, which is acidic and polar, at codon 615 of the C1S protein (p.Asn615Asp). This variant is present in population databases (no rsID available, gnomAD 0.007%). This variant has not been reported in the literature in individuals affected with C1S-related conditions. Invitae Evidence Modeling of protein sequence and biophysical properties (such as structural, functional, and spatial information, amino acid conservation, physicochemical variation, residue mobility, and thermodynamic stability) indicates that this missense variant is expected to disrupt C1S protein function with a positive predictive value of 80%. In summary, the available evidence is currently insufficient to determine the role of this variant in disease. Therefore, it has been classified as a Variant of Uncertain Significance.